The following is an entry in ClinVar:

ClinVar aggregate classification (germline): Pathogenic (0 of 4 stars; one submission).

Conditions:
Polycystic kidney disease. Also called: Polycystic kidney dysplasia; Kidney, Polycystic. Identifiers: MedGen C0022680, MeSH D007690, MONDO:0020642, HP:0000113.

Allele frequency attached by ClinVar (database versions not stated): gnomAD exomes below 0.00001.
gnomAD v4.1: 1 of 1,558,490 alleles (0.000064%); highest among the groups gnomAD compares: Non-Finnish European, 0.000087%; no homozygotes.

Submission:

Department of Pathology and Laboratory Medicine, Sinai Health System
Classification: Pathogenic for Polycystic Kidney disease. Review status: no assertion criteria provided. Collection method: clinical testing. Allele origin: unknown. Affected: yes. Observed: 1 variant allele. Study: The Canadian Open Genetics Repository (COGR).
Comment: The PKD1 p.Trp2187X variant was identified in 1 of 1400 proband chromosomes (frequency: 0.0007) from individuals or families with ADPKD (Audrezet 2012 22508176). The variant was also identified in the ADPKD Mutation Database (classified definitely pathogenic); it was not identified in the following databases: dbSNP, ClinVar, Clinvitae, COGR, LOVD 3.0, PKD1-LOVD, the 1000 Genomes Project, the NHLBI GO Exome Sequencing Project, the Exome Aggregation Consortium (August 8th 2016), or the Genome Aggregation Database (Feb 27, 2017). The c.6560G>A variant leads to a premature stop codon at position 2187 which is predicted to lead to a truncated or absent protein and loss of function. Loss of function variants of the PKD1 gene are an established mechanism of disease in autosomal dominant polycystic kidney disease and is the type of variant expected to cause the disorder. In summary, based on the above information this variant meets our laboratoryâ€šÃ„Ã´s criteria to be classified as pathogenic.

NM_001009944.3(PKD1):c.6560G>A (p.Trp2187Ter)

Gene: PKD1 (polycystin 1, transient receptor potential channel interacting; minus strand). Cytogenetic location: 16p13.3.
Variant type: single nucleotide variant.
Coding change: c.6560G>A on transcript NM_001009944.3 (MANE Select); coding-DNA position 6560, G replaced by A.
Protein change: p.Trp2187Ter; replaces tryptophan 2187 with a stop codon.
Molecular consequence: nonsense.
Genome position (GRCh38, 1-based): chr16:2,108,607, C>T on the plus strand (G>A on the coding strand, the complement: PKD1 is on the minus strand). VCF-style: chr16-2108607-C-T. GRCh37 (hg19) VCF-style: chr16-2158608-C-T.
Other names: c.6560G>A, p.Trp2187Ter (NM_000296.4); short protein forms W2187*.
Identifiers: ClinVar variation 997397 (VCV000997397.1), dbSNP rs1161210869, ClinGen allele CA394373312.